The following is an entry in ClinVar:

ClinVar aggregate classification (germline): Likely benign. Review status: criteria provided, multiple submitters, no conflicts (2 of 4 stars). 3 submissions from 3 submitters: Likely benign (2). 1 of the submissions does not count toward it. Last evaluated 2025-11-01.

Conditions:
RELN-related disorder. Also called: RELN-related condition.

Submissions (3):

CeGaT Center for Human Genetics Tuebingen
Classification: Likely benign. Last evaluated: 2025-11-01. Review status: criteria provided, single submitter. Criteria: CeGaT Center For Human Genetics Tuebingen Variant Classification Criteria Version 2. Collection method: clinical testing. Allele origin: germline. Affected: yes. Observed: 2 variant alleles.
Comment: RELN: BP4, BS2

GeneDx
Classification: Likely benign. Last evaluated: 2021-05-17. Review status: criteria provided, single submitter. Criteria: GeneDx Variant Classification Process June 2021. Collection method: clinical testing. Allele origin: germline. Affected: yes.

PreventionGenetics, part of Exact Sciences
Classification: Likely benign for RELN-related condition. Last evaluated: 2024-01-08. Review status: no assertion criteria provided. Collection method: clinical testing. Allele origin: germline. Not counted in ClinVar's aggregate classification.
Comment: This variant is classified as likely benign based on ACMG/AMP sequence variant interpretation guidelines (Richards et al. 2015 PMID: 25741868, with internal and published modifications).

NM_005045.4(RELN):c.-24GGC[6]

Gene: RELN (reelin; minus strand). Cytogenetic location: 7q22.1.
Variant type: Microsatellite.
Coding change: c.-24GGC[6] on transcript NM_005045.4 (MANE Select); six copies in a row of the 3-base unit GGC starting at c.-24; the reference has eight copies in a row; two copies, 6 bases deleted.
Molecular consequence: 5 prime UTR variant.
Genome position (GRCh38, 1-based): chr7:103,989,357-103,989,362, GCCGCC deleted on the plus strand (GGCGGC on the coding strand, the reverse complement: RELN is on the minus strand); deleting any 6 consecutive bases within chr7:103,989,357-103,989,382 gives the same sequence; the position shown is the placement nearest the transcript's 3' end. VCF-style (leftmost placement, unchanged base first): chr7-103989356-TGCCGCC-T. GRCh37 (hg19) VCF-style: chr7-103629803-TGCCGCC-T.
Other names: c.-24GGC[6] (NM_173054.3); c.-6_-1del6 (NM_005045.3).
Identifiers: ClinVar variation 358430 (VCV000358430.19), dbSNP rs55656324, ClinGen allele CA10627851.